The following is an entry in ClinVar:

NM_001378418.1(TCF20):c.5800-8C>T

Gene: TCF20 (transcription factor 20; minus strand). Cytogenetic location: 22q13.2.
Variant type: single nucleotide variant.
Coding change: c.5800-8C>T on transcript NM_001378418.1 (MANE Select); 8 bases into the intron before coding-DNA position 5800, C replaced by T.
Molecular consequence: intron variant.
Genome position (GRCh38, 1-based): chr22:42,168,744, G>A on the plus strand (C>T on the coding strand, the complement: TCF20 is on the minus strand). VCF-style: chr22-42168744-G-A. GRCh37 (hg19) VCF-style: chr22-42564750-G-A.
Other names: c.5800-8C>T (NM_005650.3, NM_005650.4); c.5799+1103C>T (NM_181492.3).
Identifiers: ClinVar variation 1624844 (VCV001624844.32), dbSNP rs183282164, ClinGen allele CA10266350.

ClinVar aggregate classification (germline): Benign/Likely benign. Review status: criteria provided, multiple submitters, no conflicts (2 of 4 stars). 4 submissions from 4 submitters: Benign (1); Likely benign (2). 1 of the submissions does not count toward it. Last evaluated 2025-10-24.

Conditions:
TCF20-related disorder. Also called: TCF20-related condition.

Allele frequency attached by ClinVar (database versions not stated): gnomAD exomes 0.00009; ExAC 0.00012; 1000 Genomes Project 30x 0.00031; ESP Exome Variant Server 0.00031; TOPMed 0.00037; gnomAD 0.00038 and 0.00039; 1000 Genomes Project 0.00040.
gnomAD v4.1: 133 of 1,605,240 alleles (0.0083%); highest among the groups gnomAD compares: African/African-American, 0.12%; no homozygotes.

Submissions (4):

Labcorp Genetics (formerly Invitae), Labcorp
Classification: Benign. Last evaluated: 2025-10-24. Review status: criteria provided, single submitter. Criteria: Invitae Variant Classification Sherloc (09022015). Collection method: clinical testing. Allele origin: germline.

Blueprint Genetics
Classification: Likely benign. Last evaluated: 2024-07-06. Review status: criteria provided, single submitter. Criteria: ACMG Guidelines, 2015. Collection method: clinical testing. Allele origin: germline.

CeGaT Center for Human Genetics Tuebingen
Classification: Likely benign. Last evaluated: 2023-12-01. Review status: criteria provided, single submitter. Criteria: CeGaT Center For Human Genetics Tuebingen Variant Classification Criteria Version 2. Collection method: clinical testing. Allele origin: germline. Affected: yes. Observed: 1 variant allele.
Comment: TCF20: BP4, BS1

PreventionGenetics, part of Exact Sciences
Classification: Likely benign for TCF20-related condition. Last evaluated: 2024-01-26. Review status: no assertion criteria provided. Collection method: clinical testing. Allele origin: germline. Not counted in ClinVar's aggregate classification.
Comment: This variant is classified as likely benign based on ACMG/AMP sequence variant interpretation guidelines (Richards et al. 2015 PMID: 25741868, with internal and published modifications).